The following is an entry in ClinVar:

NM_020191.4(MRPS22):c.445G>A (p.Glu149Lys)

Gene: MRPS22 (mitochondrial ribosomal protein S22; plus strand). Cytogenetic location: 3q23.
Variant type: single nucleotide variant.
Coding change: c.445G>A on transcript NM_020191.4 (MANE Select); coding-DNA position 445, G replaced by A.
Protein change: p.Glu149Lys; replaces glutamic acid 149 with lysine.
Molecular consequence: missense variant.
Genome position (GRCh38, 1-based): chr3:139,348,265, G>A. VCF-style: chr3-139348265-G-A. GRCh37 (hg19) VCF-style: chr3-139067107-G-A.
Other names: c.322G>A, p.Glu108Lys (NM_001363857.1); c.442G>A, p.Glu148Lys (NM_001363893.1); short protein forms E108K, E148K, E149K.
Identifiers: ClinVar variation 1428895 (VCV001428895.3), dbSNP rs1054854502, ClinGen allele CA83993919.

ClinVar aggregate classification (germline): Uncertain significance (1 of 4 stars; one submission).

Allele frequency attached by ClinVar (database versions not stated): gnomAD exomes below 0.00001 and 0.00004; TOPMed below 0.00001; gnomAD 0.00001.
gnomAD v4.1: 55 of 1,613,958 alleles (0.0034%); highest among the groups gnomAD compares: Non-Finnish European, 0.0044%; no homozygotes.

Submission:

Labcorp Genetics (formerly Invitae), Labcorp
Classification: Uncertain significance. Last evaluated: 2022-08-16. Review status: criteria provided, single submitter. Criteria: Invitae Variant Classification Sherloc (09022015). Collection method: clinical testing. Allele origin: germline.
Comment: This sequence change replaces glutamic acid, which is acidic and polar, with lysine, which is basic and polar, at codon 149 of the MRPS22 protein (p.Glu149Lys). This variant is present in population databases (no rsID available, gnomAD 0.004%). This variant has not been reported in the literature in individuals affected with MRPS22-related conditions. ClinVar contains an entry for this variant (Variation ID: 1428895). Algorithms developed to predict the effect of missense changes on protein structure and function (SIFT, PolyPhen-2, Align-GVGD) all suggest that this variant is likely to be tolerated. In summary, the available evidence is currently insufficient to determine the role of this variant in disease. Therefore, it has been classified as a Variant of Uncertain Significance.